The following is an entry in ClinVar:

ClinVar aggregate classification (germline): Uncertain significance (1 of 4 stars; one submission).

Submission:

Labcorp Genetics (formerly Invitae), Labcorp
Classification: Uncertain significance. Last evaluated: 2022-05-16. Review status: criteria provided, single submitter. Criteria: Invitae Variant Classification Sherloc (09022015). Collection method: clinical testing. Allele origin: germline.
Comment: In summary, the available evidence is currently insufficient to determine the role of this variant in disease. Therefore, it has been classified as a Variant of Uncertain Significance. This variant has not been reported in the literature in individuals affected with ARID1B-related conditions. This variant is present in population databases (no rsID available, gnomAD 0.004%). This variant, c.393_398dup, results in the insertion of 2 amino acid(s) of the ARID1B protein (p.His132_Pro133dup), but otherwise preserves the integrity of the reading frame.

NM_001374828.1(ARID1B):c.642_647dup (p.Pro216_Ile217insHisPro)

Genes: ARID1B (AT-rich interaction domain 1B; plus strand), LOC115308161 (uncharacterized LOC115308161; minus strand). Cytogenetic location: 6q25.3.
Variant type: Duplication.
Coding change: c.642_647dup on transcript NM_001374828.1 (MANE Select); coding-DNA positions 642 to 647, 6 bases duplicated (ACATCC; older notation c.642_647dupACATCC).
Protein change: p.Pro216_Ile217insHisPro.
Molecular consequence: inframe insertion. On other transcripts: non-coding transcript variant (1), inframe indel (3).
Genome position (GRCh38, 1-based): chr6:156,778,322-156,778,327, ACATCC duplicated. VCF-style (leftmost placement, unchanged base first): chr6-156778321-A-AACATCC. GRCh37 (hg19) VCF-style: chr6-157099455-A-AACATCC.
Other names: c.393_398dup, p.Pro133_Ile134insHisPro (NM_001346813.1, NM_020732.3); c.642_647dup, p.Pro216_Ile217insHisPro (NM_001371656.1, NM_001374820.1, NM_017519.3); c.219_224dup, p.Pro75_Ile76insHisPro (NM_175863.2).
Identifiers: ClinVar variation 2060054 (VCV002060054.4), dbSNP rs1562375962, ClinGen allele CA571907151.